The following is an entry in ClinVar:

NM_000382.3(ALDH3A2):c.152A>G (p.Lys51Arg)

Gene: ALDH3A2 (aldehyde dehydrogenase 3 family member A2; plus strand). Cytogenetic location: 17p11.2.
Variant type: single nucleotide variant.
Coding change: c.152A>G on transcript NM_000382.3 (MANE Select); coding-DNA position 152, A replaced by G.
Protein change: p.Lys51Arg; replaces lysine 51 with arginine.
Molecular consequence: missense variant. On other transcripts: 5 prime UTR variant (1).
Genome position (GRCh38, 1-based): chr17:19,649,123, A>G. VCF-style: chr17-19649123-A-G. GRCh37 (hg19) VCF-style: chr17-19552436-A-G.
Other names: c.152A>G, p.Lys51Arg (NM_001031806.2, NM_001369136.1, NM_001369137.2 and 3 more transcripts); c.-537A>G (NM_001369148.2); short protein forms K51R.
Identifiers: ClinVar variation 3068866 (VCV003068866.2), dbSNP rs944751000, ClinGen allele CA398701015.

ClinVar aggregate classification (germline): Uncertain significance (1 of 4 stars; one submission).

gnomAD v4.1: 3 of 1,569,704 alleles (0.00019%); highest among the groups gnomAD compares: Non-Finnish European, 0.00017%; no homozygotes.

Submission:

Women's Health and Genetics/Laboratory Corporation of America, LabCorp
Classification: Uncertain significance. Last evaluated: 2024-02-19. Review status: criteria provided, single submitter. Criteria: LabCorp Variant Classification Summary - May 2015. Collection method: clinical testing. Allele origin: germline.
Comment: Variant summary: ALDH3A2 c.152A>G (p.Lys51Arg) results in a conservative amino acid change located in the Aldehyde dehydrogenase domain (IPR015590) of the encoded protein sequence. Four of five in-silico tools predict a benign effect of the variant on protein function. Several computational tools predict a significant impact on normal splicing: Four predict the variant weakens a canonical 5' donor site. However, these predictions have yet to be confirmed by functional studies. The variant was absent in 176410 control chromosomes (gnomAD). The available data on variant occurrences in the general population are insufficient to allow any conclusion about variant significance. To our knowledge, no occurrence of c.152A>G in individuals affected with Sjogren-Larsson Syndrome and no experimental evidence demonstrating its impact on protein function have been reported. No submitters have cited clinical-significance assessments for this variant to ClinVar. Based on the evidence outlined above, the variant was classified as uncertain significance.